The following is an entry in ClinVar:

ClinVar aggregate classification (germline): Benign (1 of 4 stars; one submission).

Conditions:
ALG1-congenital disorder of glycosylation. Also called: CDG Ik; ALG1-CDG; CONGENITAL DISORDER OF GLYCOSYLATION, TYPE Ik. Identifiers: Orphanet 79327, MedGen C2931005, MONDO:0012052, OMIM 608540.

Allele frequency attached by ClinVar (database versions not stated): gnomAD exomes below 0.00001.
gnomAD v4.1: 1 of 925,966 alleles (0.00011%); highest among the groups gnomAD compares: South Asian, 0.0016%; no homozygotes.

Submission:

Centre for Mendelian Genomics, University Medical Centre Ljubljana
Classification: Benign for ALG1-congenital disorder of glycosylation. Last evaluated: 2019-03-26. Review status: criteria provided, single submitter. Criteria: ACMG Guidelines, 2015. Collection method: clinical testing. Allele origin: unknown. Affected: yes.
Comment: This variant was classified as: Benign. The following ACMG criteria were applied in classifying this variant: BS1,BS2.

NM_201400.4(EEF2KMT):c.*1074C>T

Genes: ALG1 (ALG1 chitobiosyldiphosphodolichol beta-mannosyltransferase; plus strand), EEF2KMT (eukaryotic elongation factor 2 lysine methyltransferase; minus strand). Cytogenetic location: 16p13.3.
Variant type: single nucleotide variant.
Coding change: c.*1074C>T on transcript NM_201400.4 (MANE Select); 1074 bases downstream of the stop codon, C replaced by T.
Molecular consequence: 3 prime UTR variant. On other transcripts: intron variant (2).
Genome position (GRCh38, 1-based): chr16:5,084,558, G>A on the plus strand (C>T on the coding strand, the complement: EEF2KMT is on the minus strand). VCF-style: chr16-5084558-G-A. GRCh37 (hg19) VCF-style: chr16-5134559-G-A.
Other names: c.*1074C>T (NM_001289029.2, NM_201598.4); c.1264-192G>A (NM_019109.5); c.931-192G>A (NM_001330504.2).
Identifiers: ClinVar variation 931729 (VCV000931729.3), dbSNP rs1957081691, ClinGen allele CA1139664479.